The following is an entry in ClinVar:

NM_006206.6(PDGFRA):c.198C>G (p.Ser66Arg)

Gene: PDGFRA (platelet derived growth factor receptor alpha; plus strand). Cytogenetic location: 4q12.
Variant type: single nucleotide variant.
Coding change: c.198C>G on transcript NM_006206.6 (MANE Select); coding-DNA position 198, C replaced by G.
Protein change: p.Ser66Arg; replaces serine 66 with arginine.
Molecular consequence: missense variant.
Genome position (GRCh38, 1-based): chr4:54,261,243, C>G. VCF-style: chr4-54261243-C-G. GRCh37 (hg19) VCF-style: chr4-55127410-C-G.
Other names: c.198C>G, p.Ser66Arg (NM_001347827.2, NM_001347829.2); c.273C>G, p.Ser91Arg (NM_001347828.2); c.237C>G, p.Ser79Arg (NM_001347830.2); short protein forms S66R, S79R, S91R.
Identifiers: ClinVar variation 1023105 (VCV001023105.16), dbSNP rs1722688940, ClinGen allele CA356888473.
Genomic context (GRCh38, chr4:54,261,243, plus strand): 5'-TCTGAGATGCTTTGGGGAGAGTGAAGTGAGCTGGCAGTACCCCATGTCTGAAGAAGAGAG[C>G]TCCGATGTGGAAATCAGAAATGAAGAAAACAACAGCGGCCTTTTTGTGACGGTCTTGGAA-3'
Protein context (NP_006197.1, residues 56-76): SWQYPMSEEE[Ser66Arg]SDVEIRNEEN

ClinVar aggregate classification (germline): Uncertain significance (1 of 4 stars; one submission).

Conditions:
Gastrointestinal stromal tumor. Also called: Gastrointestinal stromal tumor, somatic; Gastrointestinal stroma tumor. Identifiers: Orphanet 44890, MedGen C0238198, MeSH D046152, MONDO:0011719, OMIM 606764, HP:0100723.

Submission:

Labcorp Genetics (formerly Invitae), Labcorp
Classification: Uncertain significance for Gastrointestinal stromal tumor. Last evaluated: 2020-01-22. Review status: criteria provided, single submitter. Criteria: Invitae Variant Classification Sherloc (09022015). Collection method: clinical testing. Allele origin: germline.
Comment: Algorithms developed to predict the effect of missense changes on protein structure and function (SIFT, PolyPhen-2, Align-GVGD) all suggest that this variant is likely to be tolerated, but these predictions have not been confirmed by published functional studies and their clinical significance is uncertain. This variant has not been reported in the literature in individuals with PDGFRA-related conditions. This variant is not present in population databases (ExAC no frequency). This sequence change replaces serine with arginine at codon 66 of the PDGFRA protein (p.Ser66Arg). The serine residue is weakly conserved and there is a moderate physicochemical difference between serine and arginine. In summary, the available evidence is currently insufficient to determine the role of this variant in disease. Therefore, it has been classified as a Variant of Uncertain Significance. Algorithms developed to predict the effect of sequence changes on RNA splicing suggest that this variant may create or strengthen a splice site, but this prediction has not been confirmed by published transcriptional studies.